The following is an entry in ClinVar:

ClinVar aggregate classification (germline): Conflicting classifications of pathogenicity. Review status: criteria provided, conflicting classifications (1 of 4 stars). 2 submissions from 2 submitters: Uncertain significance (1); Likely benign (1). Last evaluated 2025-03-10.

Conditions:
Hereditary cancer-predisposing syndrome. Also called: Neoplastic Syndromes, Hereditary; Hereditary Cancer Syndrome; Hereditary neoplastic syndrome; Tumor predisposition. Identifiers: Orphanet 140162, MedGen C0027672, MeSH D009386, MONDO:0015356.
Gastrointestinal stromal tumor. Also called: Gastrointestinal stromal tumor, somatic; Gastrointestinal stroma tumor. Identifiers: Orphanet 44890, MedGen C0238198, MeSH D046152, MONDO:0011719, OMIM 606764, HP:0100723.

Allele frequency attached by ClinVar (database versions not stated): gnomAD exomes below 0.00001; gnomAD 0.00001; TOPMed 0.00001.
gnomAD v4.1: 2 of 1,614,078 alleles (0.00012%); highest among the groups gnomAD compares: African/African-American, 0.0027%; no homozygotes.

Submissions (2):

Ambry Genetics
Classification: Likely benign for Hereditary cancer-predisposing syndrome. Last evaluated: 2025-03-10. Review status: criteria provided, single submitter. Criteria: Ambry Variant Classification Scheme 2023. Collection method: clinical testing. Allele origin: germline.

Labcorp Genetics (formerly Invitae), Labcorp
Classification: Uncertain significance for Gastrointestinal stromal tumor. Last evaluated: 2025-02-25. Review status: criteria provided, single submitter. Criteria: Invitae Variant Classification Sherloc (09022015). Collection method: clinical testing. Allele origin: germline.
Comment: This sequence change replaces lysine, which is basic and polar, with glutamine, which is neutral and polar, at codon 193 of the KIT protein (p.Lys193Gln). This variant is present in population databases (no rsID available, gnomAD 0.007%). This variant has not been reported in the literature in individuals affected with KIT-related conditions. ClinVar contains an entry for this variant (Variation ID: 1004480). An algorithm developed to predict the effect of missense changes on protein structure and function outputs the following: PolyPhen-2: "Benign". The glutamine amino acid residue is found in multiple mammalian species, which suggests that this missense change does not adversely affect protein function. In summary, the available evidence is currently insufficient to determine the role of this variant in disease. Therefore, it has been classified as a Variant of Uncertain Significance.

NM_000222.3(KIT):c.577A>C (p.Lys193Gln)

Gene: KIT (KIT proto-oncogene, receptor tyrosine kinase; plus strand). Cytogenetic location: 4q12.
Variant type: single nucleotide variant.
Coding change: c.577A>C on transcript NM_000222.3 (MANE Select); coding-DNA position 577, A replaced by C.
Protein change: p.Lys193Gln; replaces lysine 193 with glutamine.
Molecular consequence: missense variant.
Genome position (GRCh38, 1-based): chr4:54,698,523, A>C. VCF-style: chr4-54698523-A-C. GRCh37 (hg19) VCF-style: chr4-55564689-A-C.
Other names: c.577A>C, p.Lys193Gln (NM_001093772.2, NM_001385284.1, NM_001385285.1 and 4 more transcripts); c.577A>C (NM_000222.2); short protein forms K193Q.
Identifiers: ClinVar variation 1004480 (VCV001004480.10), dbSNP rs1451394869, ClinGen allele CA356898010.